The following is an entry in ClinVar:

ClinVar aggregate classification (germline): Uncertain significance (1 of 4 stars; one submission).

Allele frequency attached by ClinVar (database versions not stated): gnomAD exomes below 0.00001.
gnomAD v4.1: 1 of 1,614,154 alleles (0.000062%); highest among the groups gnomAD compares: Admixed American, 0.0017%; no homozygotes.

Submission:

Labcorp Genetics (formerly Invitae), Labcorp
Classification: Uncertain significance. Last evaluated: 2021-11-27. Review status: criteria provided, single submitter. Criteria: Invitae Variant Classification Sherloc (09022015). Collection method: clinical testing. Allele origin: germline.
Comment: Algorithms developed to predict the effect of missense changes on protein structure and function output the following: SIFT: "Deleterious"; PolyPhen-2: "Possibly Damaging"; Align-GVGD: "Class C15". The arginine amino acid residue is found in multiple mammalian species, which suggests that this missense change does not adversely affect protein function. Algorithms developed to predict the effect of sequence changes on RNA splicing suggest that this variant may create or strengthen a splice site. In summary, the available evidence is currently insufficient to determine the role of this variant in disease. Therefore, it has been classified as a Variant of Uncertain Significance. This variant has not been reported in the literature in individuals affected with DMP1-related conditions. This sequence change replaces glycine, which is neutral and non-polar, with arginine, which is basic and polar, at codon 195 of the DMP1 protein (p.Gly195Arg). This variant is not present in population databases (gnomAD no frequency).

NM_004407.4(DMP1):c.583G>A (p.Gly195Arg)

Genes: DMP1-AS1 (DMP1 and DSPP antisense RNA 1; minus strand), DMP1 (dentin matrix acidic phosphoprotein 1; plus strand). Cytogenetic location: 4q22.1.
Variant type: single nucleotide variant.
Coding change: c.583G>A on transcript NM_004407.4 (MANE Select); coding-DNA position 583, G replaced by A.
Protein change: p.Gly195Arg; replaces glycine 195 with arginine.
Molecular consequence: missense variant.
Genome position (GRCh38, 1-based): chr4:87,662,361, G>A. VCF-style: chr4-87662361-G-A. GRCh37 (hg19) VCF-style: chr4-88583513-G-A.
Other names: c.535G>A, p.Gly179Arg (NM_001079911.3); short protein forms G179R, G195R.
Identifiers: ClinVar variation 1505879 (VCV001505879.6), dbSNP rs2110016653, ClinGen allele CA357699285.